The following is an entry in ClinVar:

ClinVar aggregate classification (germline): Benign. Review status: criteria provided, multiple submitters, no conflicts (2 of 4 stars). 2 submissions from 2 submitters: Benign (2).

Conditions:
Hereditary angioedema type 1 (HAE1). Identifiers: Orphanet 100050, Orphanet 100051, Orphanet 91378, MedGen C2717906, MONDO:0015053, OMIM 106100.

Allele frequency attached by ClinVar (database versions not stated): 1000 Genomes Project 0.14756; 1000 Genomes Project 30x 0.14975; TOPMed 0.19471.
gnomAD v4.1: 31,578 of 151,856 alleles (21%); highest among the groups gnomAD compares: Non-Finnish European, 27%; 3,704 homozygotes.

Submissions (2):

Breakthrough Genomics
Classification: Benign. Review status: criteria provided, single submitter. Criteria: ACMG Guidelines, 2015. Collection method: not provided. Allele origin: germline. Inheritance: Autosomal recessive inheritance. Affected: yes.

CeMIA
Classification: Benign for Hereditary angioedema type 1. Review status: criteria provided, single submitter. Criteria: ACMG Guidelines, 2015. Collection method: clinical testing. Allele origin: germline. Affected: yes.
Comment: This variant is considered likely benign or benign based on one or more of the following criteria: allele frequency is >5% in Exome Sequencing Project, 1000 Genomes Project, or Exome Aggregation Consortium (BA1), allele frequency is greater than expected for disorder (BS1), it is observed in a healthy adult individual (BS2), it is predicted to be benign by multiple in silico algorithms (BP4), it is found in a case with an alternate molecular basis for the disease (BP5) and/or reputable source recently reports variant as benign (BP6).

Literature cited by the submitters: PubMed 31959500 (cited by CeMIA).

NM_000062.3(SERPING1):c.551-495A>C

Gene: SERPING1 (serpin family G member 1; plus strand). Cytogenetic location: 11q12.1.
Variant type: single nucleotide variant.
Coding change: c.551-495A>C on transcript NM_000062.3 (MANE Select); 495 bases into the intron before coding-DNA position 551, A replaced by C.
Molecular consequence: intron variant.
Genome position (GRCh38, 1-based): chr11:57,601,540, A>C. VCF-style: chr11-57601540-A-C. GRCh37 (hg19) VCF-style: chr11-57369013-A-C.
Other names: c.551-495A>C (NM_001032295.2).
Identifiers: ClinVar variation 983241 (VCV000983241.3), dbSNP rs28362948, ClinGen allele CA13383178.
Genomic context (GRCh38, chr11:57,601,540, plus strand): 5'-TTACTGTCAAGTCCCATTTGGTAATTACCCTAGGAATGGCACAAACAAATTACTACAAGC[A>C]GTGGGGACAGAGCTATTACTCCCCAGAGAGAATTCTAAAAAGGCTACAGAATCTTTCTTG-3'